The following is an entry in ClinVar:

ClinVar aggregate classification (germline): Uncertain significance (1 of 4 stars; one submission).

Conditions:
Hypertrophic cardiomyopathy. Also called: HYPERTROPHIC MYOCARDIOPATHY. Identifiers: Orphanet 217569, MedGen C0007194, MeSH D002312, MONDO:0005045, HP:0001639.

Submission:

All of Us Research Program, National Institutes of Health
Classification: Uncertain significance for Hypertrophic cardiomyopathy. Last evaluated: 2023-02-24. Review status: criteria provided, single submitter. Criteria: ACMG Guidelines, 2015. Collection method: clinical testing. Allele origin: germline. Inheritance: Autosomal dominant inheritance. Observed: 1 variant allele, 1 heterozygote.
Comment: This missense variant replaces leucine with valine at codon 49 of the MYL2 protein. Computational prediction is inconclusive regarding the impact of this variant on protein structure and function (internally defined REVEL score threshold 0.5 < inconclusive < 0.7, PMID: 27666373). Splice prediction tools suggest that this variant may disrupt RNA splicing. To our knowledge, functional studies have not been reported for this variant. This variant has not been reported in individuals affected with cardiovascular disorders in the literature. This variant has not been identified in the general population by the Genome Aggregation Database (gnomAD). The available evidence is insufficient to determine the role of this variant in disease conclusively. Therefore, this variant is classified as a Variant of Uncertain Significance.

This study involves interpretation of variants in research participants for the purpose of population health screening. Participant phenotype was not available at the time of variant classification. Additional details can be found in publication PMID: 35346344, PMCID: PMC8962531

NM_000432.4(MYL2):c.145C>G (p.Leu49Val)

Gene: MYL2 (myosin light chain 2; minus strand). Cytogenetic location: 12q24.11.
Variant type: single nucleotide variant.
Coding change: c.145C>G on transcript NM_000432.4 (MANE Select); coding-DNA position 145, C replaced by G.
Protein change: p.Leu49Val; replaces leucine 49 with valine.
Molecular consequence: missense variant. On other transcripts: intron variant (1).
Genome position (GRCh38, 1-based): chr12:110,915,739, G>C on the plus strand (C>G on the coding strand, the complement: MYL2 is on the minus strand). VCF-style: chr12-110915739-G-C. GRCh37 (hg19) VCF-style: chr12-111353543-G-C.
Other names: c.88C>G, p.Leu30Val (NM_001406916.1); c.94-1415C>G (NM_001406745.1); short protein forms L30V, L49V.
Identifiers: ClinVar variation 3075563 (VCV003075563.1), dbSNP rs2499811775, ClinGen allele CA386699275.